The following is an entry in ClinVar:

NM_000214.3(JAG1):c.3065G>A (p.Arg1022Gln)

Gene: JAG1 (jagged canonical Notch ligand 1; minus strand). Cytogenetic location: 20p12.2.
Variant type: single nucleotide variant.
Coding change: c.3065G>A on transcript NM_000214.3 (MANE Select); coding-DNA position 3065, G replaced by A.
Protein change: p.Arg1022Gln; replaces arginine 1022 with glutamine.
Molecular consequence: missense variant.
Genome position (GRCh38, 1-based): chr20:10,640,917, C>T on the plus strand (G>A on the coding strand, the complement: JAG1 is on the minus strand). VCF-style: chr20-10640917-C-T. GRCh37 (hg19) VCF-style: chr20-10621565-C-T.
Other names: short protein forms R1022Q.
Identifiers: ClinVar variation 934979 (VCV000934979.12), dbSNP rs376089631, ClinGen allele CA9764291.

ClinVar aggregate classification (germline): Conflicting classifications of pathogenicity. Review status: criteria provided, conflicting classifications (1 of 4 stars). 4 submissions from 4 submitters: Uncertain significance (3); Benign (1). Last evaluated 2026-04-17.

Conditions:
JAG1-related disorder. Also called: JAG1-related condition; JAG1-related disorders.
Charcot-Marie-Tooth disease, axonal, Type 2HH. Also called: CHARCOT-MARIE-TOOTH NEUROPATHY, TYPE 2HH. Identifiers: MedGen C5562003, MONDO:0030458, OMIM 619574.
Deafness, congenital heart defects, and posterior embryotoxon (DCHE). Identifiers: MedGen C1866053, MONDO:0060713, OMIM 617992.
Tetralogy of Fallot (TOF). Identifiers: Orphanet 3303, MedGen C0039685, MONDO:0008542, OMIM 187500, HP:0001636.
Alagille syndrome due to a JAG1 point mutation. Also called: Alagille Syndrome 1; JAG1-Related Alagille Syndrome; HEPATIC DUCTULAR HYPOPLASIA, SYNDROMATIC. Identifiers: Orphanet 261619, Orphanet 52, MedGen C1956125, MONDO:0016862, OMIM 118450.

Allele frequency attached by ClinVar (database versions not stated): gnomAD exomes 0.00001 and 0.00002; gnomAD 0.00003 and 0.00005; TOPMed 0.00003; ExAC 0.00004; ESP Exome Variant Server 0.00008.
gnomAD v4.1: 24 of 1,613,958 alleles (0.0015%); highest among the groups gnomAD compares: African/African-American, 0.0067%; no homozygotes.

Submissions (4):

PreventionGenetics, part of Exact Sciences
Classification: Uncertain significance for JAG1-related condition. Last evaluated: 2026-04-17. Review status: criteria provided, single submitter. Criteria: ACMG Guidelines, 2015. Collection method: clinical testing. Allele origin: germline.
Comment: The JAG1 c.3065G>A variant is predicted to result in the amino acid substitution p.Arg1022Gln. To our knowledge, this variant has not been reported in the literature. This variant is reported in 0.0062% of alleles in individuals of African descent in gnomAD. At this time, the clinical significance of this variant is uncertain due to the absence of conclusive functional and genetic evidence.

Labcorp Genetics (formerly Invitae), Labcorp
Classification: Benign for Alagille syndrome due to a JAG1 point mutation. Last evaluated: 2025-11-09. Review status: criteria provided, single submitter. Criteria: Invitae Variant Classification Sherloc (09022015). Collection method: clinical testing. Allele origin: germline.

GeneDx
Classification: Uncertain significance. Last evaluated: 2023-11-21. Review status: criteria provided, single submitter. Criteria: GeneDx Variant Classification Process June 2021. Collection method: clinical testing. Allele origin: germline. Affected: yes.
Comment: In silico analysis supports that this missense variant does not alter protein structure/function; Has not been previously published as pathogenic or benign to our knowledge

Fulgent Genetics
Classification: Uncertain significance for Alagille syndrome due to a JAG1 point mutation; Tetralogy of Fallot; Deafness, congenital heart defects, and posterior embryotoxon; Charcot-Marie-Tooth disease, axonal, Type 2HH. Last evaluated: 2021-07-07. Review status: criteria provided, single submitter. Criteria: ACMG Guidelines, 2015. Collection method: clinical testing. Allele origin: unknown.